The following is an entry in ClinVar:

NM_007194.4(CHEK2):c.847-12C>T

Gene: CHEK2 (checkpoint kinase 2; minus strand). Cytogenetic location: 22q12.1.
Variant type: single nucleotide variant.
Coding change: c.847-12C>T on transcript NM_007194.4 (MANE Select); 12 bases into the intron before coding-DNA position 847, C replaced by T.
Molecular consequence: intron variant.
Genome position (GRCh38, 1-based): chr22:28,703,578, G>A on the plus strand (C>T on the coding strand, the complement: CHEK2 is on the minus strand). VCF-style: chr22-28703578-G-A. GRCh37 (hg19) VCF-style: chr22-29099566-G-A.
Other names: c.184-12C>T (NM_001437942.1, NM_001257387.3); c.646-12C>T (NM_001349956.3); c.847-12C>T (NM_145862.3); c.940-12C>T (NM_001438295.1, NM_001438293.1); c.976-12C>T (NM_001438294.1, NM_001005735.3).
Identifiers: ClinVar variation 2887808 (VCV002887808.4), dbSNP rs769724628, ClinGen allele CA10167799.
Genomic context (GRCh38, chr22:28,703,578, plus strand): 5'-TATAATAATCTTCTGCATCAAAAAAGTTTTTAATCTTGATGATGCAAGGCTAAGAAGAGG[G>A]GGAGAAAAAAGGGAAAGTAGTGAGAAACTCCCAAGAGGAAAACCACAAGAGCTTAGAACA-3'

ClinVar aggregate classification (germline): Likely benign. Review status: criteria provided, multiple submitters, no conflicts (2 of 4 stars). 2 submissions from 2 submitters: Likely benign (2). Last evaluated 2024-10-03.

Conditions:
Familial cancer of breast. Also called: hereditary breast carcinoma; BREAST CANCER, FAMILIAL; Hereditary breast cancer. Identifiers: Orphanet 227535, MedGen C0346153, MONDO:0016419, OMIM 114480. Disease mechanism: loss of function.

gnomAD v4.1: 4 of 1,540,470 alleles (0.00026%); highest among the groups gnomAD compares: East Asian, 0.0068%; no homozygotes.

Submissions (2):

Myriad Genetics, Inc.
Classification: Likely benign for Familial cancer of breast. Last evaluated: 2024-10-03. Review status: criteria provided, single submitter. Criteria: Myriad Autosomal Dominant, Autosomal Recessive and X-Linked Classification Criteria (2023). Collection method: clinical testing. Allele origin: unknown.
Comment: This variant is considered likely benign. This variant is intronic and is not expected to impact mRNA splicing.

Labcorp Genetics (formerly Invitae), Labcorp
Classification: Likely benign for Familial cancer of breast. Last evaluated: 2023-07-21. Review status: criteria provided, single submitter. Criteria: Invitae Variant Classification Sherloc (09022015). Collection method: clinical testing. Allele origin: germline.